The following is an entry in ClinVar:

ClinVar aggregate classification (germline): Likely benign. Review status: criteria provided, multiple submitters, no conflicts (2 of 4 stars). 5 submissions from 5 submitters: Likely benign (4). 1 of the submissions does not count toward it. Last evaluated 2025-09-25.

Conditions:
KATNIP-related disorder. Also called: KATNIP-related condition.

Allele frequency attached by ClinVar (database versions not stated): gnomAD exomes 0.00020 and 0.00063; ExAC 0.00071; 1000 Genomes Project 30x 0.00141; 1000 Genomes Project 0.00160; gnomAD 0.00237 and 0.00257; TOPMed 0.00251; ESP Exome Variant Server 0.00316.
gnomAD v4.1: 651 of 1,608,822 alleles (0.04%); highest among the groups gnomAD compares: African/African-American, 0.81%; 2 homozygotes.

Submissions (5):

Mayo Clinic Laboratories, Mayo Clinic
Classification: Likely benign. Last evaluated: 2025-09-25. Review status: criteria provided, single submitter. Criteria: ACMG Guidelines, 2015. Collection method: clinical testing. Allele origin: germline. Observed: 1 variant allele.
Comment: BS1, BP4

Labcorp Genetics (formerly Invitae), Labcorp
Classification: Likely benign. Last evaluated: 2025-08-31. Review status: criteria provided, single submitter. Criteria: Invitae Variant Classification Sherloc (09022015). Collection method: clinical testing. Allele origin: germline.

Blueprint Genetics
Classification: Likely benign. Last evaluated: 2024-02-16. Review status: criteria provided, single submitter. Criteria: ACMG Guidelines, 2015. Collection method: clinical testing. Allele origin: germline.

Ambry Genetics
Classification: Likely benign. Last evaluated: 2022-08-22. Review status: criteria provided, single submitter. Criteria: Ambry Variant Classification Scheme 2023. Collection method: clinical testing. Allele origin: germline.

PreventionGenetics, part of Exact Sciences
Classification: Benign for KATNIP-related condition. Last evaluated: 2019-07-30. Review status: no assertion criteria provided. Collection method: clinical testing. Allele origin: germline. Not counted in ClinVar's aggregate classification.
Comment: This variant is classified as benign based on ACMG/AMP sequence variant interpretation guidelines (Richards et al. 2015 PMID: 25741868, with internal and published modifications).

NM_015202.5(KATNIP):c.3652G>A (p.Ala1218Thr)

Gene: KATNIP (katanin interacting protein; plus strand). Cytogenetic location: 16p12.1.
Variant type: single nucleotide variant.
Coding change: c.3652G>A on transcript NM_015202.5 (MANE Select); coding-DNA position 3652, G replaced by A.
Protein change: p.Ala1218Thr; replaces alanine 1218 with threonine.
Molecular consequence: missense variant.
Genome position (GRCh38, 1-based): chr16:27,761,433, G>A. VCF-style: chr16-27761433-G-A. GRCh37 (hg19) VCF-style: chr16-27772754-G-A.
Other names: p.Ala1218Thr; c.3652G>A (NM_015202.4, NM_015202.3); short protein forms A1218T.
Identifiers: ClinVar variation 714696 (VCV000714696.14), dbSNP rs144489867, ClinGen allele CA7978345.